The following is an entry in ClinVar:

ClinVar aggregate classification (germline): Uncertain significance. Review status: criteria provided, multiple submitters, no conflicts (2 of 4 stars). 2 submissions from 2 submitters: Uncertain significance (2). Last evaluated 2025-02-10.

Conditions:
Inborn genetic diseases. Identifiers: MedGen C0950123, MeSH D030342.

Allele frequency attached by ClinVar (database versions not stated): TOPMed below 0.00001; gnomAD 0.00001.

Submissions (2):

Labcorp Genetics (formerly Invitae), Labcorp
Classification: Uncertain significance. Last evaluated: 2025-02-10. Review status: criteria provided, single submitter. Criteria: Invitae Variant Classification Sherloc (09022015). Collection method: clinical testing. Allele origin: germline.
Comment: This sequence change replaces threonine, which is neutral and polar, with isoleucine, which is neutral and non-polar, at codon 109 of the EFEMP1 protein (p.Thr109Ile). This variant is present in population databases (no rsID available, gnomAD 0.01%). This variant has not been reported in the literature in individuals affected with EFEMP1-related conditions. ClinVar contains an entry for this variant (Variation ID: 859776). An algorithm developed to predict the effect of missense changes on protein structure and function (PolyPhen-2) suggests that this variant is likely to be tolerated. In summary, the available evidence is currently insufficient to determine the role of this variant in disease. Therefore, it has been classified as a Variant of Uncertain Significance.

Ambry Genetics
Classification: Uncertain significance for Inborn genetic diseases. Last evaluated: 2022-12-21. Review status: criteria provided, single submitter. Criteria: Ambry Variant Classification Scheme 2023. Collection method: clinical testing. Allele origin: germline.

NM_001039348.3(EFEMP1):c.326C>T (p.Thr109Ile)

Gene: EFEMP1 (EGF-like fibulin extracellular matrix protein 1; minus strand). Cytogenetic location: 2p16.1.
Variant type: single nucleotide variant.
Coding change: c.326C>T on transcript NM_001039348.3 (MANE Select); coding-DNA position 326, C replaced by T.
Protein change: p.Thr109Ile; replaces threonine 109 with isoleucine.
Molecular consequence: missense variant.
Genome position (GRCh38, 1-based): chr2:55,917,856, G>A on the plus strand (C>T on the coding strand, the complement: EFEMP1 is on the minus strand). VCF-style: chr2-55917856-G-A. GRCh37 (hg19) VCF-style: chr2-56144991-G-A.
Other names: c.326C>T, p.Thr109Ile (NM_001039349.3); short protein forms T109I.
Identifiers: ClinVar variation 859776 (VCV000859776.8), dbSNP rs756800857, ClinGen allele CA347026695.